The following is an entry in ClinVar:

ClinVar aggregate classification (germline): Pathogenic (1 of 4 stars; one submission).

Submission:

GeneDx
Classification: Pathogenic. Last evaluated: 2024-01-05. Review status: criteria provided, single submitter. Criteria: GeneDx Variant Classification Process June 2021. Collection method: clinical testing. Allele origin: germline. Affected: yes.
Comment: Frameshift variant predicted to result in abnormal protein length as the last 177 amino acids are replaced with 29 different amino acids, and other similar variants have been reported in HGMD; Not observed in large population cohorts (gnomAD); Has not been previously published as pathogenic or benign to our knowledge

NM_015100.4(POGZ):c.3701_3704del (p.His1234fs)

Gene: POGZ (pogo transposable element derived with ZNF domain; minus strand). Cytogenetic location: 1q21.3.
Variant type: Deletion.
Coding change: c.3701_3704del on transcript NM_015100.4 (MANE Select); coding-DNA positions 3701 to 3704, 4 bases deleted (ACTT; older notation c.3701_3704delACTT).
Protein change: p.His1234fs; shifts the reading frame from histidine 1234.
Molecular consequence: frameshift variant.
Genome position (GRCh38, 1-based): chr1:151,405,331-151,405,334, AAGT deleted on the plus strand (ACTT on the coding strand, the reverse complement: POGZ is on the minus strand). VCF-style (leftmost placement, unchanged base first): chr1-151405330-CAAGT-C. GRCh37 (hg19) VCF-style: chr1-151377806-CAAGT-C.
Other names: c.3674_3677del, p.His1225fs (NM_001194937.2); c.3515_3518del, p.His1172fs (NM_001194938.2); c.3722_3725del, p.His1241fs (NM_001410860.1); c.3416_3419del, p.His1139fs (NM_145796.4); c.3542_3545del, p.His1181fs (NM_207171.2); short protein forms H1139fs, H1172fs, H1181fs, H1225fs, H1234fs, H1241fs.
Identifiers: ClinVar variation 3340756 (VCV003340756.1).